The following is an entry in ClinVar:

ClinVar aggregate classification (germline): Uncertain significance. Review status: criteria provided, multiple submitters, no conflicts (2 of 4 stars). 2 submissions from 2 submitters: Uncertain significance (2). Last evaluated 2024-11-19.

Conditions:
Hereditary cancer-predisposing syndrome. Also called: Tumor predisposition; Neoplastic Syndromes, Hereditary; Hereditary Cancer Syndrome; Hereditary neoplastic syndrome. Identifiers: Orphanet 140162, MedGen C0027672, MeSH D009386, MONDO:0015356.
Neuroblastoma, susceptibility to, 3. Also called: ALK-Related Neuroblastic Tumor Susceptibility. Identifiers: Orphanet 635, MedGen C2751681, MONDO:0013083, OMIM 613014.

Submissions (2):

Labcorp Genetics (formerly Invitae), Labcorp
Classification: Uncertain significance for Neuroblastoma, susceptibility to, 3. Last evaluated: 2024-11-19. Review status: criteria provided, single submitter. Criteria: Invitae Variant Classification Sherloc (09022015). Collection method: clinical testing. Allele origin: germline.
Comment: This sequence change replaces glycine, which is neutral and non-polar, with arginine, which is basic and polar, at codon 1474 of the ALK protein (p.Gly1474Arg). This variant is not present in population databases (gnomAD no frequency). This variant has not been reported in the literature in individuals affected with ALK-related conditions. ClinVar contains an entry for this variant (Variation ID: 2624789). An algorithm developed to predict the effect of missense changes on protein structure and function (PolyPhen-2) suggests that this variant is likely to be disruptive. In summary, the available evidence is currently insufficient to determine the role of this variant in disease. Therefore, it has been classified as a Variant of Uncertain Significance.

Ambry Genetics
Classification: Uncertain significance for Hereditary cancer-predisposing syndrome. Last evaluated: 2023-07-15. Review status: criteria provided, single submitter. Criteria: Ambry Variant Classification Scheme 2023. Collection method: clinical testing. Allele origin: germline.
Comment: The p.G1474R variant (also known as c.4420G>A), located in coding exon 29 of the ALK gene, results from a G to A substitution at nucleotide position 4420. The glycine at codon 1474 is replaced by arginine, an amino acid with dissimilar properties. This amino acid position is conserved. In addition, this alteration is predicted to be deleterious by in silico analysis. Since supporting evidence is limited at this time, the clinical significance of this alteration remains unclear.

NM_004304.5(ALK):c.4420G>A (p.Gly1474Arg)

Gene: ALK (ALK receptor tyrosine kinase; minus strand). Cytogenetic location: 2p23.2.
Variant type: single nucleotide variant.
Coding change: c.4420G>A on transcript NM_004304.5 (MANE Select); coding-DNA position 4420, G replaced by A.
Protein change: p.Gly1474Arg; replaces glycine 1474 with arginine.
Molecular consequence: missense variant.
Genome position (GRCh38, 1-based): chr2:29,193,667, C>T on the plus strand (G>A on the coding strand, the complement: ALK is on the minus strand). VCF-style: chr2-29193667-C-T. GRCh37 (hg19) VCF-style: chr2-29416533-C-T.
Other names: c.1216G>A, p.Gly406Arg (NM_001353765.2); short protein forms G1474R, G406R.
Identifiers: ClinVar variation 2624789 (VCV002624789.4), dbSNP rs2148138381, ClinGen allele CA346462160.